The following is an entry in ClinVar:

ClinVar aggregate classification (germline): Uncertain significance. Review status: criteria provided, multiple submitters, no conflicts (2 of 4 stars). 5 submissions from 5 submitters: Uncertain significance (5). Last evaluated 2026-01-26.

Conditions:
RYR1-related disorder. Also called: RYR1-related condition; RYR1-related disorders. Identifiers: MedGen CN239331.
Central core myopathy (CMYO1A). Also called: Central core disease; Myopathy, central fibrillar; CONGENITAL MYOPATHY 1A, AUTOSOMAL DOMINANT, WITH SUSCEPTIBILITY TO MALIGNANT HYPERTHERMIA. Identifiers: Orphanet 597, MedGen C5830701, MONDO:0007294, OMIM 117000.
Malignant hyperthermia, susceptibility to, 1 (MHS1). Also called: RYR1-Related Malignant Hyperthermia Susceptibility; Malignant hyperthermia suceptibility 1; Anesthesia related hyperthermia; Malignant hyperpyrexia; Fulminating hyperpyrexia; Pharmacogenic myopathy. Identifiers: Orphanet 423, MedGen C2930980, MONDO:0007783, OMIM 145600.

Allele frequency attached by ClinVar (database versions not stated): gnomAD below 0.00001 and 0.00001; gnomAD exomes 0.00001; ExAC 0.00002.
gnomAD v4.1: 11 of 1,613,892 alleles (0.00068%); highest among the groups gnomAD compares: South Asian, 0.011%; no homozygotes.

Submissions (5):

Labcorp Genetics (formerly Invitae), Labcorp
Classification: Uncertain significance for RYR1-related disorder. Last evaluated: 2026-01-26. Review status: criteria provided, single submitter. Criteria: Invitae Variant Classification Sherloc (09022015). Collection method: clinical testing. Allele origin: germline.
Comment: This sequence change replaces glutamic acid, which is acidic and polar, with lysine, which is basic and polar, at codon 462 of the RYR1 protein (p.Glu462Lys). This variant is present in population databases (rs199592055, gnomAD 0.01%). This variant has not been reported in the literature in individuals affected with RYR1-related conditions. ClinVar contains an entry for this variant (Variation ID: 224365). Invitae Evidence Modeling of protein sequence and biophysical properties (such as structural, functional, and spatial information, amino acid conservation, physicochemical variation, residue mobility, and thermodynamic stability) indicates that this missense variant is not expected to disrupt RYR1 protein function with a negative predictive value of 80%. In summary, the available evidence is currently insufficient to determine the role of this variant in disease. Therefore, it has been classified as a Variant of Uncertain Significance.

CeGaT Center for Human Genetics Tuebingen
Classification: Uncertain significance. Last evaluated: 2023-10-01. Review status: criteria provided, single submitter. Criteria: CeGaT Center For Human Genetics Tuebingen Variant Classification Criteria Version 2. Collection method: clinical testing. Allele origin: germline. Affected: yes. Observed: 1 variant allele.
Comment: RYR1: PM2

Revvity Omics, Revvity
Classification: Uncertain significance. Last evaluated: 2020-04-03. Review status: criteria provided, single submitter. Criteria: ACMG Guidelines, 2015. Collection method: clinical testing. Allele origin: germline.

Biesecker Lab/Clinical Genomics Section, National Institutes of Health
Classification: Uncertain significance for Malignant hyperthermia, susceptibility to, 1. Last evaluated: 2013-07-01. Review status: criteria provided, single submitter. Criteria: Gonsalves et al. 2013. Collection method: research. Allele origin: unknown. Observed: 1 variant allele. Study: ClinSeq.
Comment: The study set was not selected for affection status in relation to any myopathy. Pathogenicity categories were based on literature curation. See Pubmed ID: 24195946 for details.

Neuberg Centre For Genomic Medicine, NCGM
Classification: Uncertain significance for Central core myopathy. Review status: criteria provided, single submitter. Criteria: ACMG Guidelines, 2015. Collection method: clinical testing. Allele origin: germline. Inheritance: Autosomal dominant inheritance. Affected: yes.
Comment: The observed missense c.1384G>A(p.Glu462Lys) variant in RYR1 gene has not been reported previously as a pathogenic variant nor a benign variant, to our knowledge. The p.Glu462Lys variant has been reported with allele frequency of 0.001% in gnomAD Exomes. This variant has been submitted to the ClinVar database as Uncertain Significance. Multiple lines of computational evidences (Polyphen - , SIFT - and MutationTaster -) predict conflicting evidence on protein structure and function for this variant. The reference amino acid change at this position on RYR1 gene is predicted as conserved by GERP++ and PhyloP across 100 vertebrates. The amino acid Glu at position 462 is changed to a Lys changing protein sequence and it might alter its composition and physico-chemical properties. For these reasons, this variant has been classified as a Variant of Uncertain Significance (VUS).

NM_000540.3(RYR1):c.1384G>A (p.Glu462Lys)

Gene: RYR1 (ryanodine receptor 1; plus strand). Cytogenetic location: 19q13.2.
Variant type: single nucleotide variant.
Coding change: c.1384G>A on transcript NM_000540.3 (MANE Select); coding-DNA position 1384, G replaced by A.
Protein change: p.Glu462Lys; replaces glutamic acid 462 with lysine.
Molecular consequence: missense variant.
Genome position (GRCh38, 1-based): chr19:38,452,958, G>A. VCF-style: chr19-38452958-G-A. GRCh37 (hg19) VCF-style: chr19-38943598-G-A.
Other names: c.1384G>A, p.Glu462Lys (NM_001042723.2); short protein forms E462K.
Identifiers: ClinVar variation 224365 (VCV000224365.33), dbSNP rs199592055, ClinGen allele CA060610.